The following is an entry in ClinVar:

NM_003482.4(KMT2D):c.14513C>T (p.Pro4838Leu)

Gene: KMT2D (lysine methyltransferase 2D; minus strand). Cytogenetic location: 12q13.12.
Variant type: single nucleotide variant.
Coding change: c.14513C>T on transcript NM_003482.4 (MANE Select); coding-DNA position 14513, C replaced by T.
Protein change: p.Pro4838Leu; replaces proline 4838 with leucine.
Molecular consequence: missense variant.
Genome position (GRCh38, 1-based): chr12:49,028,011, G>A on the plus strand (C>T on the coding strand, the complement: KMT2D is on the minus strand). VCF-style: chr12-49028011-G-A. GRCh37 (hg19) VCF-style: chr12-49421794-G-A.
Other names: short protein forms P4838L.
Identifiers: ClinVar variation 3615920 (VCV003615920.2).

ClinVar aggregate classification (germline): Uncertain significance (1 of 4 stars; one submission).

Conditions:
Kabuki syndrome. Also called: NIIKAWA-KUROKI SYNDROME; Kabuki make-up syndrome. Identifiers: Orphanet 2322, MedGen C0796004, MONDO:0016512.

gnomAD v4.1: 23 of 1,613,856 alleles (0.0014%); highest among the groups gnomAD compares: Non-Finnish European, 0.0019%; no homozygotes.

Submission:

Labcorp Genetics (formerly Invitae), Labcorp
Classification: Uncertain significance for Kabuki syndrome. Last evaluated: 2024-05-02. Review status: criteria provided, single submitter. Criteria: Invitae Variant Classification Sherloc (09022015). Collection method: clinical testing. Allele origin: germline.
Comment: This sequence change replaces proline, which is neutral and non-polar, with leucine, which is neutral and non-polar, at codon 4838 of the KMT2D protein (p.Pro4838Leu). This variant is present in population databases (no rsID available, gnomAD 0.0009%). This variant has not been reported in the literature in individuals affected with KMT2D-related conditions. Experimental studies and prediction algorithms are not available or were not evaluated, and the functional significance of this variant is currently unknown. In summary, the available evidence is currently insufficient to determine the role of this variant in disease. Therefore, it has been classified as a Variant of Uncertain Significance.